The following is an entry in ClinVar:

ClinVar aggregate classification (germline): Uncertain significance (1 of 4 stars; one submission).

Conditions:
Hereditary cancer-predisposing syndrome. Also called: Neoplastic Syndromes, Hereditary; Tumor predisposition; Hereditary Cancer Syndrome; Hereditary neoplastic syndrome. Identifiers: Orphanet 140162, MedGen C0027672, MeSH D009386, MONDO:0015356.

Submission:

Color Diagnostics, LLC DBA Color Health
Classification: Uncertain significance for Hereditary cancer-predisposing syndrome. Last evaluated: 2024-03-06. Review status: criteria provided, single submitter. Criteria: ACMG Guidelines, 2015. Collection method: clinical testing. Allele origin: germline.
Comment: This missense variant replaces glutamine with lysine at codon 3206 of the BRCA2 protein. Computational prediction suggests that this variant may not impact protein structure and function (internally defined REVEL score threshold <= 0.5, PMID: 27666373). Splice site prediction tools suggest that this variant may not impact RNA splicing. To our knowledge, functional studies have not been performed for this variant. This variant has not been reported in individuals affected with hereditary cancer in the literature. This variant has not been identified in the general population by the Genome Aggregation Database (gnomAD). The available evidence is insufficient to determine the role of this variant in disease conclusively. Therefore, this variant is classified as a Variant of Uncertain Significance.

NM_000059.4(BRCA2):c.9616C>A (p.Gln3206Lys)

Gene: BRCA2 (BRCA2 DNA repair associated; plus strand). Cytogenetic location: 13q13.1.
Variant type: single nucleotide variant.
Coding change: c.9616C>A on transcript NM_000059.4 (MANE Select); coding-DNA position 9616, C replaced by A.
Protein change: p.Gln3206Lys; replaces glutamine 3206 with lysine.
Molecular consequence: missense variant.
Genome position (GRCh38, 1-based): chr13:32,397,012, C>A. VCF-style: chr13-32397012-C-A. GRCh37 (hg19) VCF-style: chr13-32971149-C-A.
Other names: short protein forms Q3206K.
Identifiers: ClinVar variation 922725 (VCV000922725.4), dbSNP rs80359233, ClinGen allele CA387763663.